The following is an entry in ClinVar:

ClinVar aggregate classification (germline): Uncertain significance (1 of 4 stars; one submission).

Conditions:
Adams-Oliver syndrome 5 (AOS5). Identifiers: Orphanet 974, MedGen C4014970, MONDO:0014459, OMIM 616028.

Submission:

Labcorp Genetics (formerly Invitae), Labcorp
Classification: Uncertain significance for Adams-Oliver syndrome 5. Last evaluated: 2022-09-15. Review status: criteria provided, single submitter. Criteria: Invitae Variant Classification Sherloc (09022015). Collection method: clinical testing. Allele origin: germline.
Comment: This sequence change replaces asparagine, which is neutral and polar, with aspartic acid, which is acidic and polar, at codon 277 of the NOTCH1 protein (p.Asn277Asp). This variant is not present in population databases (gnomAD no frequency). This variant has not been reported in the literature in individuals affected with NOTCH1-related conditions. Advanced modeling of protein sequence and biophysical properties (such as structural, functional, and spatial information, amino acid conservation, physicochemical variation, residue mobility, and thermodynamic stability) performed at Invitae indicates that this missense variant is not expected to disrupt NOTCH1 protein function. In summary, the available evidence is currently insufficient to determine the role of this variant in disease. Therefore, it has been classified as a Variant of Uncertain Significance.

NM_017617.5(NOTCH1):c.829A>G (p.Asn277Asp)

Gene: NOTCH1 (notch receptor 1; minus strand). Cytogenetic location: 9q34.3.
Variant type: single nucleotide variant.
Coding change: c.829A>G on transcript NM_017617.5 (MANE Select); coding-DNA position 829, A replaced by G.
Protein change: p.Asn277Asp; replaces asparagine 277 with aspartic acid.
Molecular consequence: missense variant.
Genome position (GRCh38, 1-based): chr9:136,519,479, T>C on the plus strand (A>G on the coding strand, the complement: NOTCH1 is on the minus strand). VCF-style: chr9-136519479-T-C. GRCh37 (hg19) VCF-style: chr9-139413931-T-C.
Other names: short protein forms N277D.
Identifiers: ClinVar variation 1715472 (VCV001715472.5), dbSNP rs2540463645, ClinGen allele CA375566329.